The following is an entry in ClinVar:

ClinVar aggregate classification (germline): Uncertain significance (1 of 4 stars; one submission).

Conditions:
Alstrom syndrome (ALMS). Identifiers: Orphanet 64, MedGen C0268425, MONDO:0008763, OMIM 203800.

Submission:

Labcorp Genetics (formerly Invitae), Labcorp
Classification: Uncertain significance for Alstrom syndrome. Last evaluated: 2022-07-27. Review status: criteria provided, single submitter. Criteria: Invitae Variant Classification Sherloc (09022015). Collection method: clinical testing. Allele origin: germline.
Comment: In summary, the available evidence is currently insufficient to determine the role of this variant in disease. Therefore, it has been classified as a Variant of Uncertain Significance. Experimental studies and prediction algorithms are not available or were not evaluated, and the functional significance of this variant is currently unknown. This variant has not been reported in the literature in individuals affected with ALMS1-related conditions. This variant is not present in population databases (gnomAD no frequency). This sequence change replaces methionine, which is neutral and non-polar, with isoleucine, which is neutral and non-polar, at codon 3527 of the ALMS1 protein (p.Met3527Ile).

NM_001378454.1(ALMS1):c.10578G>C (p.Met3526Ile)

Gene: ALMS1 (ALMS1 centrosome and basal body associated protein; plus strand). Cytogenetic location: 2p13.1.
Variant type: single nucleotide variant.
Coding change: c.10578G>C on transcript NM_001378454.1 (MANE Select); coding-DNA position 10578, G replaced by C.
Protein change: p.Met3526Ile; replaces methionine 3526 with isoleucine.
Molecular consequence: missense variant.
Genome position (GRCh38, 1-based): chr2:73,572,455, G>C. VCF-style: chr2-73572455-G-C. GRCh37 (hg19) VCF-style: chr2-73799582-G-C.
Other names: c.10581G>C, p.Met3527Ile (NM_015120.4); short protein forms M3527I, M3526I.
Identifiers: ClinVar variation 2190900 (VCV002190900.3), dbSNP rs747277854, ClinGen allele CA347283861.
Genomic context (GRCh38, chr2:73,572,455, plus strand): 5'-CATGAGACATTCTTGGAAAGATTTCTTTCAGCATCATCCAGACAAACATAGAGAACACAT[G>C]TGTCTTCCTCTTCCTTATCAAAACATGGACAAGACTAAGACAGATTATACCAGAATAAAG-3'
Protein context (NP_001365383.1, residues 3516-3536): QHHPDKHREH[Met3526Ile]CLPLPYQNMD